The following is an entry in ClinVar:

ClinVar aggregate classification (germline): Uncertain significance. Review status: criteria provided, multiple submitters, no conflicts (2 of 4 stars). 3 submissions from 3 submitters: Uncertain significance (3). Last evaluated 2025-06-22.

Conditions:
Kleefstra syndrome 1 (KLEFS1). Identifiers: Orphanet 261494, MedGen C0795833, MONDO:0027407, OMIM 610253.

Submissions (3):

Labcorp Genetics (formerly Invitae), Labcorp
Classification: Uncertain significance for Kleefstra syndrome 1. Last evaluated: 2025-06-22. Review status: criteria provided, single submitter. Criteria: Invitae Variant Classification Sherloc (09022015). Collection method: clinical testing. Allele origin: germline.
Comment: This sequence change replaces aspartic acid, which is acidic and polar, with asparagine, which is neutral and polar, at codon 1288 of the EHMT1 protein (p.Asp1288Asn). This variant is not present in population databases (gnomAD no frequency). This variant has not been reported in the literature in individuals affected with EHMT1-related conditions. ClinVar contains an entry for this variant (Variation ID: 3764351). An algorithm developed to predict the effect of missense changes on protein structure and function (PolyPhen-2) suggests that this variant is likely to be disruptive. In summary, the available evidence is currently insufficient to determine the role of this variant in disease. Therefore, it has been classified as a Variant of Uncertain Significance.

Blueprint Genetics
Classification: Uncertain significance. Last evaluated: 2024-10-10. Review status: criteria provided, single submitter. Criteria: ACMG Guidelines, 2015. Collection method: clinical testing. Allele origin: germline.

GeneDx
Classification: Uncertain significance. Last evaluated: 2024-08-23. Review status: criteria provided, single submitter. Criteria: GeneDx Variant Classification Process June 2021. Collection method: clinical testing. Allele origin: germline. Affected: yes.
Comment: Not observed at significant frequency in large population cohorts (gnomAD); In silico analysis indicates that this missense variant does not alter protein structure/function; Has not been previously published as pathogenic or benign to our knowledge

NM_024757.5(EHMT1):c.3862G>A (p.Asp1288Asn)

Gene: EHMT1 (euchromatic histone lysine methyltransferase 1; plus strand). Cytogenetic location: 9q34.3.
Variant type: single nucleotide variant.
Coding change: c.3862G>A on transcript NM_024757.5 (MANE Select); coding-DNA position 3862, G replaced by A.
Protein change: p.Asp1288Asn; replaces aspartic acid 1288 with asparagine.
Molecular consequence: missense variant.
Genome position (GRCh38, 1-based): chr9:137,834,918, G>A. VCF-style: chr9-137834918-G-A. GRCh37 (hg19) VCF-style: chr9-140729370-G-A.
Other names: c.3841G>A, p.Asp1281Asn (NM_001354263.2); short protein forms D1281N, D1288N.
Identifiers: ClinVar variation 3764351 (VCV003764351.3).
Genomic context (GRCh38, chr9:137,834,918, plus strand): 5'-GCGGCCCTGGCCCAGCGTCAGGCCAGCGCGGCCCAGGAGGCCCAGGAGGACGGCTTGCCC[G>A]ACACCAGCTCCGCGGCTGCCGCCGACCCCCTATGAGACGCCGCCGGCCAGCGGGGCGCTC-3'
Protein context (NP_079033.4, residues 1278-1298): AQEAQEDGLP[Asp1288Asn]TSSAAAADPL